The following is an entry in ClinVar:

ClinVar aggregate classification (germline): Pathogenic (1 of 4 stars; one submission).

Allele frequency attached by ClinVar (database versions not stated): gnomAD exomes below 0.00001.
gnomAD v4.1: 1 of 1,614,170 alleles (0.000062%); highest among the groups gnomAD compares: Non-Finnish European, 0.000085%; no homozygotes.

Submission:

Labcorp Genetics (formerly Invitae), Labcorp
Classification: Pathogenic. Last evaluated: 2022-02-04. Review status: criteria provided, single submitter. Criteria: Invitae Variant Classification Sherloc (09022015). Collection method: clinical testing. Allele origin: germline.
Comment: For these reasons, this variant has been classified as Pathogenic. Advanced modeling of protein sequence and biophysical properties (such as structural, functional, and spatial information, amino acid conservation, physicochemical variation, residue mobility, and thermodynamic stability) performed at Invitae indicates that this missense variant is expected to disrupt HOGA1 protein function. This missense change has been observed in individual(s) with hyperoxaluria (Invitae). In at least one individual the data is consistent with being in trans (on the opposite chromosome) from a pathogenic variant. This variant is not present in population databases (gnomAD no frequency). This sequence change replaces leucine, which is neutral and non-polar, with phenylalanine, which is neutral and non-polar, at codon 220 of the HOGA1 protein (p.Leu220Phe).

NM_138413.4(HOGA1):c.660G>C (p.Leu220Phe)

Gene: HOGA1 (4-hydroxy-2-oxoglutarate aldolase 1; plus strand). Cytogenetic location: 10q24.2.
Variant type: single nucleotide variant.
Coding change: c.660G>C on transcript NM_138413.4 (MANE Select); coding-DNA position 660, G replaced by C.
Protein change: p.Leu220Phe; replaces leucine 220 with phenylalanine.
Molecular consequence: missense variant. On other transcripts: intron variant (1).
Genome position (GRCh38, 1-based): chr10:97,600,123, G>C. VCF-style: chr10-97600123-G-C. GRCh37 (hg19) VCF-style: chr10-99359880-G-C.
Other names: c.212-1734G>C (NM_001134670.2); short protein forms L220F.
Identifiers: ClinVar variation 1346647 (VCV001346647.6), dbSNP rs2135722531, ClinGen allele CA377979568.